The following is an entry in ClinVar:

NM_001048174.2(MUTYH):c.379-1G>A

Gene: MUTYH (mutY DNA glycosylase; minus strand). Cytogenetic location: 1p34.1.
Variant type: single nucleotide variant.
Coding change: c.379-1G>A on transcript NM_001048174.2 (MANE Select); the canonical splice acceptor site of the intron before coding-DNA position 379, G replaced by A.
Molecular consequence: splice acceptor variant. On other transcripts: intron variant (4).
Genome position (GRCh38, 1-based): chr1:45,332,960, C>T on the plus strand (G>A on the coding strand, the complement: MUTYH is on the minus strand). VCF-style: chr1-45332960-C-T. GRCh37 (hg19) VCF-style: chr1-45798632-C-T.
Other names: c.379-1G>A (NM_001407072.1, NM_001048171.2, NM_001407070.1 and 5 more transcripts); c.34-1G>A (NM_001350651.2, NM_001350650.2, NM_001407082.1); c.103-1G>A (NM_001293192.2, NM_001293196.2, NM_001407091.1); c.421-126G>A (NM_001407073.1); c.424-1G>A (NM_001293190.2); c.454-126G>A (NM_001407069.1); c.454-1G>A (NM_012222.3); c.463-1G>A (NM_001128425.2); and 7 more.
Identifiers: ClinVar variation 379599 (VCV000379599.24), dbSNP rs1057520660, ClinGen allele CA16603709.

ClinVar aggregate classification (germline): Likely pathogenic. Review status: criteria provided, multiple submitters, no conflicts (2 of 4 stars). 7 submissions from 7 submitters: Likely pathogenic (7). Last evaluated 2025-04-29.

Conditions:
Hereditary cancer-predisposing syndrome. Also called: Neoplastic Syndromes, Hereditary; Hereditary Cancer Syndrome; Hereditary neoplastic syndrome; Tumor predisposition. Identifiers: Orphanet 140162, MedGen C0027672, MeSH D009386, MONDO:0015356.
Familial adenomatous polyposis 2. Also called: ADENOMAS, MULTIPLE COLORECTAL, AUTOSOMAL RECESSIVE; MYH-associated polyposis; Adenomas, multiple colorectal; MUTYH Polyposis; COLORECTAL ADENOMATOUS POLYPOSIS, AUTOSOMAL RECESSIVE; FAP type 2. Identifiers: Orphanet 220460, Orphanet 247798, MedGen C3272841, MONDO:0012041, OMIM 608456.

Submissions (7):

Ambry Genetics
Classification: Likely pathogenic for Hereditary cancer-predisposing syndrome. Last evaluated: 2025-04-29. Review status: criteria provided, single submitter. Criteria: Ambry Variant Classification Scheme 2023. Collection method: clinical testing. Allele origin: germline.
Comment: The c.463-1G>A intronic variant results from a G to A substitution one nucleotide upstream from coding exon 6 of the MUTYH gene. This nucleotide position is highly conserved in available vertebrate species. In silico splice site analysis predicts that this alteration will weaken the native splice acceptor site and may result in the creation or strengthening of a novel splice acceptor site. RNA studies have demonstrated that this alteration results in abnormal splicing in the set of samples tested (Ambry internal data). Alterations that disrupt the canonical splice site are expected to cause aberrant splicing, resulting in an abnormal protein or transcript. As such, this alteration is classified as likely pathogenic.

Labcorp Genetics (formerly Invitae), Labcorp
Classification: Likely pathogenic for Familial adenomatous polyposis 2. Last evaluated: 2024-08-01. Review status: criteria provided, single submitter. Criteria: Invitae Variant Classification Sherloc (09022015). Collection method: clinical testing. Allele origin: germline.
Comment: This sequence change affects an acceptor splice site in intron 5 of the MUTYH gene. RNA analysis indicates that disruption of this splice site induces altered splicing and likely results in the loss of 1 amino acid residue(s), but is expected to preserve the integrity of the reading-frame. This variant is not present in population databases (gnomAD no frequency). Disruption of this splice site has been observed in individuals with MUTYH-associated polyposis (PMID: 16557584, 19732775; Invitae). It has also been observed to segregate with disease in related individuals. ClinVar contains an entry for this variant (Variation ID: 379599). Studies have shown that disruption of this splice site results in the activation of a cryptic splice site in exon 6 (Invitae). In summary, the currently available evidence indicates that the variant is pathogenic, but additional data are needed to prove that conclusively. Therefore, this variant has been classified as Likely Pathogenic.

Revvity Omics, Revvity
Classification: Likely pathogenic for Familial adenomatous polyposis 2. Last evaluated: 2024-04-16. Review status: criteria provided, single submitter. Criteria: ACMG Guidelines, 2015. Collection method: clinical testing. Allele origin: germline.

All of Us Research Program, National Institutes of Health
Classification: Likely pathogenic for Familial adenomatous polyposis 2. Last evaluated: 2023-04-28. Review status: criteria provided, single submitter. Criteria: ACMG Guidelines, 2015. Collection method: clinical testing. Allele origin: germline. Inheritance: Autosomal recessive inheritance. Observed: 1 variant allele, 1 heterozygote.
Comment: This variant causes a G to A nucleotide substitution at the -1 position of intron 5 of the MUTYH gene. Splice site prediction tools predict that this variant may have a significant impact on RNA splicing. Although this prediction has not been confirmed in published RNA studies, this variant is expected to result in an absent or disrupted protein product. This variant has not been reported in individuals affected with MUTYH-related disorders in the literature. This variant has not been identified in the general population by the Genome Aggregation Database (gnomAD). Loss of MUTYH function is a known mechanism of disease. Based on the available evidence, this variant is classified as Likely Pathogenic.

This study involves interpretation of variants in research participants for the purpose of population health screening. Participant phenotype was not available at the time of variant classification. Additional details can be found in publication PMID: 35346344, PMCID: PMC8962531

Color Diagnostics, LLC DBA Color Health
Classification: Likely pathogenic for Hereditary cancer-predisposing syndrome. Last evaluated: 2023-04-18. Review status: criteria provided, single submitter. Criteria: ACMG Guidelines, 2015. Collection method: clinical testing. Allele origin: germline.
Comment: This variant causes a G to A nucleotide substitution at the -1 position of intron 5 of the MUTYH gene. Splice site prediction tools predict that this variant may have a significant impact on RNA splicing. Although this prediction has not been confirmed in published RNA studies, this variant is expected to result in an absent or disrupted protein product. This variant has not been reported in individuals affected with MUTYH-related disorders in the literature. This variant has not been identified in the general population by the Genome Aggregation Database (gnomAD). Loss of MUTYH function is a known mechanism of disease. Based on the available evidence, this variant is classified as Likely Pathogenic.

Clinical Genetics Laboratory, Skane University Hospital Lund
Classification: Likely pathogenic. Last evaluated: 2022-05-27. Review status: criteria provided, single submitter. Criteria: ACMG Guidelines, 2015. Collection method: clinical testing. Allele origin: germline. Affected: yes.

GeneDx
Classification: Likely pathogenic. Last evaluated: 2019-08-09. Review status: criteria provided, single submitter. Criteria: GeneDx Variant Classification Process June 2021. Collection method: clinical testing. Allele origin: germline. Affected: yes.
Comment: Canonical splice site variant predicted to result in an in-frame deletion of exon 6; Not observed in large population cohorts (Lek et al., 2016); Has not been previously published as pathogenic or benign to our knowledge

Literature cited by the submitters: PubMed 16557584 (cited by Labcorp Genetics (formerly Invitae), Labcorp); PubMed 19732775 (cited by Labcorp Genetics (formerly Invitae), Labcorp).